The following is an entry in ClinVar:

NM_002519.3(NPAT):c.1463A>G (p.Asn488Ser)

Gene: NPAT (nuclear protein, coactivator of histone transcription; minus strand). Cytogenetic location: 11q22.3.
Variant type: single nucleotide variant.
Coding change: c.1463A>G on transcript NM_002519.3 (MANE Select); coding-DNA position 1463, A replaced by G.
Protein change: p.Asn488Ser; replaces asparagine 488 with serine.
Molecular consequence: missense variant.
Genome position (GRCh38, 1-based): chr11:108,173,521, T>C on the plus strand (A>G on the coding strand, the complement: NPAT is on the minus strand). VCF-style: chr11-108173521-T-C. GRCh37 (hg19) VCF-style: chr11-108044248-T-C.
Other names: c.1463A>G, p.Asn488Ser (NM_001321307.1); short protein forms N488S.
Identifiers: ClinVar variation 2453793 (VCV002453793.2), dbSNP rs2496721216, ClinGen allele CA382515143.
Genomic context (GRCh38, chr11:108,173,521, plus strand): 5'-GGTATATCAGGCTGATCAGGCTGTAACTGAGATTCACTCGGTACATTTGAAGACAAAGAG[T>C]TCTTTTCAATCCCTATAGCCATTTCAGTTTCAGTGGACATCTGATTGGTGTATAATTCAG-3'
Protein context (NP_002510.2, residues 478-498): ETEMAIGIEK[Asn488Ser]SLSSNVPSES

ClinVar aggregate classification (germline): Uncertain significance (1 of 4 stars; one submission).

Allele frequency attached by ClinVar (database versions not stated): gnomAD exomes below 0.00001.
gnomAD v4.1: 1 of 1,614,066 alleles (0.000062%); highest among the groups gnomAD compares: Non-Finnish European, 0.000085%; no homozygotes.

Submission:

Ambry Genetics
Classification: Uncertain significance. Last evaluated: 2023-02-12. Review status: criteria provided, single submitter. Criteria: Ambry Variant Classification Scheme 2023. Collection method: clinical testing. Allele origin: germline.
Comment: The p.N488S variant (also known as c.1463A>G), located in coding exon 13 of the NPAT gene, results from an A to G substitution at nucleotide position 1463. The asparagine at codon 488 is replaced by serine, an amino acid with highly similar properties. This amino acid position is conserved. In addition, this alteration is predicted to be tolerated by in silico analysis. Since supporting evidence is limited at this time, the clinical significance of this alteration remains unclear.